The following is an entry in ClinVar:

ClinVar aggregate classification (germline): Likely benign (1 of 4 stars; one submission).

Conditions:
Loeys-Dietz syndrome 4 (LDS4). Also called: ANEURYSM, AORTIC AND CEREBRAL, WITH ARTERIAL TORTUOSITY AND SKELETAL MANIFESTATIONS; TGFB2-Related Loeys-Dietz Syndrome. Identifiers: MedGen C3553762, MONDO:0013897, OMIM 614816.

Allele frequency attached by ClinVar (database versions not stated): TOPMed 0.00006.
gnomAD v4.1: 186 of 1,592,262 alleles (0.012%); highest among the groups gnomAD compares: Non-Finnish European, 0.016%; no homozygotes.

Submission:

Illumina Laboratory Services, Illumina
Classification: Likely benign for Loeys-Dietz syndrome 4. Last evaluated: 2018-01-13. Review status: criteria provided, single submitter. Criteria: ICSL Variant Classification Criteria 13 December 2019. Collection method: clinical testing. Allele origin: germline.
Comment: This variant was observed in the ICSL laboratory as part of a predisposition screen in an ostensibly healthy population. It had not been previously curated by ICSL or reported in the Human Gene Mutation Database (HGMD: prior to June 1st, 2018), and was therefore a candidate for classification through an automated scoring system. Utilizing variant allele frequency, disease prevalence and penetrance estimates, and inheritance mode, an automated score was calculated to assess if this variant is too frequent to cause the disease. Based on the score and internal cut-off values, a variant classified as likely benign is not then subjected to further curation. The score for this variant resulted in a classification of likely benign for this disease.

NM_003238.6(TGFB2):c.*21G>T

Gene: TGFB2 (transforming growth factor beta 2; plus strand). Cytogenetic location: 1q41.
Variant type: single nucleotide variant.
Coding change: c.*21G>T on transcript NM_003238.6 (MANE Select); 21 bases downstream of the stop codon, G replaced by T.
Molecular consequence: 3 prime UTR variant. On other transcripts: non-coding transcript variant (2).
Genome position (GRCh38, 1-based): chr1:218,441,383, G>T. VCF-style: chr1-218441383-G-T. GRCh37 (hg19) VCF-style: chr1-218614725-G-T.
Other names: c.*21G>T (NM_001135599.4).
Identifiers: ClinVar variation 873707 (VCV000873707.4), dbSNP rs778452299, ClinGen allele CA1398700.